The following is an entry in ClinVar:

ClinVar aggregate classification (germline): Uncertain significance. Review status: criteria provided, multiple submitters, no conflicts (2 of 4 stars). 2 submissions from 2 submitters: Uncertain significance (2). Last evaluated 2026-01-05.

Conditions:
Inborn genetic diseases. Identifiers: MedGen C0950123, MeSH D030342.

Allele frequency attached by ClinVar (database versions not stated): gnomAD exomes below 0.00001 and 0.00001; ExAC 0.00001; gnomAD 0.00001; TOPMed 0.00001.
gnomAD v4.1: 6 of 1,613,960 alleles (0.00037%); highest among the groups gnomAD compares: Middle Eastern, 0.016%; no homozygotes.

Submissions (2):

Labcorp Genetics (formerly Invitae), Labcorp
Classification: Uncertain significance. Last evaluated: 2026-01-05. Review status: criteria provided, single submitter. Criteria: Invitae Variant Classification Sherloc (09022015). Collection method: clinical testing. Allele origin: germline.
Comment: This sequence change replaces valine, which is neutral and non-polar, with isoleucine, which is neutral and non-polar, at codon 435 of the PTPN23 protein (p.Val435Ile). This variant is present in population databases (rs753965402, gnomAD 0.003%). This variant has not been reported in the literature in individuals affected with PTPN23-related conditions. ClinVar contains an entry for this variant (Variation ID: 1481520). Experimental studies and prediction algorithms are not available or were not evaluated, and the functional significance of this variant is currently unknown. In summary, the available evidence is currently insufficient to determine the role of this variant in disease. Therefore, it has been classified as a Variant of Uncertain Significance.

Ambry Genetics
Classification: Uncertain significance for Inborn genetic diseases. Last evaluated: 2024-02-12. Review status: criteria provided, single submitter. Criteria: Ambry Variant Classification Scheme 2023. Collection method: clinical testing. Allele origin: germline.

NM_015466.4(PTPN23):c.1303G>A (p.Val435Ile)

Gene: PTPN23 (protein tyrosine phosphatase non-receptor type 23; plus strand). Cytogenetic location: 3p21.31.
Variant type: single nucleotide variant.
Coding change: c.1303G>A on transcript NM_015466.4 (MANE Select); coding-DNA position 1303, G replaced by A.
Protein change: p.Val435Ile; replaces valine 435 with isoleucine.
Molecular consequence: missense variant.
Genome position (GRCh38, 1-based): chr3:47,408,463, G>A. VCF-style: chr3-47408463-G-A. GRCh37 (hg19) VCF-style: chr3-47449953-G-A.
Other names: c.1303G>A (NM_015466.2); c.925G>A, p.Val309Ile (NM_001304482.2); short protein forms V435I, V309I.
Identifiers: ClinVar variation 1481520 (VCV001481520.5), dbSNP rs753965402, ClinGen allele CA2365701.
Genomic context (GRCh38, chr3:47,408,463, plus strand): 5'-AGCCACATCCCACCCCAGCTCATGGAGAAGTGCGCGGCTCTCAGCGTCCGGCCCGACACT[G>A]TCAGGAACCTTGTACAGTCCATGCAAGGTGAGTAAGGGGCAGAGCAAGCAGGTGGAAGGG-3'
Protein context (NP_056281.1, residues 425-445): CAALSVRPDT[Val435Ile]RNLVQSMQVL